The following is an entry in ClinVar:

ClinVar aggregate classification (germline): Pathogenic. Review status: reviewed by expert panel (3 of 4 stars). 3 submissions from 3 submitters: Pathogenic (1). 2 of the submissions do not count toward it. Last evaluated 2025-04-16.

Conditions:
Autosomal recessive limb-girdle muscular dystrophy type 2B (LGMDR2). Also called: Limb-Girdle Muscular Dystrophy Type 2B (LGMD2B); MUSCULAR DYSTROPHY, LIMB-GIRDLE, AUTOSOMAL RECESSIVE 2; MUSCULAR DYSTROPHY, LIMB-GIRDLE, TYPE 3; Limb-girdle muscular dystrophy, type 2B. Identifiers: Orphanet 268, MedGen C1850889, MONDO:0009676, OMIM 253601.
Autosomal recessive limb-girdle muscular dystrophy. Identifiers: Orphanet 102015, MedGen C2931907, MONDO:0015152.
Neuromuscular disease caused by qualitative or quantitative defects of dysferlin. Also called: Qualitative or quantitative defects of dysferlin; Dysferlinopathy. Identifiers: Orphanet 207073, MedGen C2931687, MONDO:0016145.

gnomAD v4.1: 9 of 1,614,090 alleles (0.00056%); highest among the groups gnomAD compares: Non-Finnish European, 0.00076%; no homozygotes.

Submissions (3):

ClinGen Limb Girdle Muscular Dystrophy Variant Curation Expert Panel, ClinGen
Classification: Pathogenic for Autosomal recessive limb-girdle muscular dystrophy. Last evaluated: 2025-04-16. Review status: reviewed by expert panel. Criteria: ClinGen LGMD VCEP ACMG Specifications DYSF V1.0.0. Collection method: curation. Allele origin: germline. Inheritance: Autosomal recessive inheritance.
Comment: The NM_003494.4: c.3113G>C variant in DYSF, which is also known as NM_001130987.2: c.3167G>C p.(Arg1056Pro), is a missense variant predicted to cause substitution of arginine by proline at amino acid 1038, p.(Arg1038Pro). This variant has been reported in at least one individual with features consistent with LGMD, where it was confirmed in trans with a likely pathogenic or pathogenic variant (NM_003494.4: c.4756C>T p.(Arg1586Ter), 1.0 pt, PMID: 36983702, 33610434) (PM3). At least one patient with this variant and a second presumed diagnostic DYSF variant had a clinical diagnosis of LGMD (Miyoshi myopathy) and absent dysferlin protein expression in both skeletal muscle and blood monocytes, which is highly specific for DYSF-associated LGMD (PP4_Strong, PMID: 33610434; 36983702). The filtering allele frequency of this variant is 0.000014124 in gnomAD v4.1.0 exomes (the upper threshold of the 95% CI of 9/1111952 European (non-Finnish) chromosomes), which is less than the ClinGen LGMD VCEP threshold for PM2_Supporting (≤0.0001), meeting this criterion (PM2_Supporting). Immunofluorescence and 2-A assays of dysferlin membrane localization in HEK293T cells showed the Arg1038Pro protein did not reach the cell membrane, indicating an impact on protein function (PMID: 35028538) (PS3_Moderate). In addition, the computational predictor REVEL gives a score of 0.89, which is above the LGMD VCEP threshold of 0.70, evidence that correlates with impact to DYSF function (PP3). Another missense variant at the same codon, c.3113G>A p.(Arg1038Gln), has been classified as Pathogenic for autosomal recessive limb girdle muscular dystrophy by the LGMD VCEP (PM5). In summary, this variant meets the criteria to be classified as Pathogenic for autosomal recessive limb girdle muscular dystrophy based on the ACMG/AMP criteria applied, as specified by the ClinGen LGMD VCEP (LGMD VCEP specifications version 1.0.0; 04/16/2025): PM3, PP4_Strong, PM2_Supporting, PS3_Moderate, PP3, PM5.

Labcorp Genetics (formerly Invitae), Labcorp
Classification: Pathogenic for Neuromuscular disease caused by qualitative or quantitative defects of dysferlin. Last evaluated: 2025-10-29. Review status: criteria provided, single submitter. Criteria: Invitae Variant Classification Sherloc (09022015). Collection method: clinical testing. Allele origin: germline. Not counted in ClinVar's aggregate classification.
Comment: This sequence change replaces arginine, which is basic and polar, with proline, which is neutral and non-polar, at codon 1038 of the DYSF protein (p.Arg1038Pro). This variant is not present in population databases (gnomAD no frequency). This missense change has been observed in individual(s) with limb-girdle muscular dystrophy (PMID: 33610434). ClinVar contains an entry for this variant (Variation ID: 2912979). Invitae Evidence Modeling of protein sequence and biophysical properties (such as structural, functional, and spatial information, amino acid conservation, physicochemical variation, residue mobility, and thermodynamic stability) indicates that this missense variant is expected to disrupt DYSF protein function with a positive predictive value of 95%. This variant disrupts the p.Arg1038 amino acid residue in DYSF. Other variant(s) that disrupt this residue have been determined to be pathogenic (PMID: 14678801, 18832576, 18853459, 25591676, 27821570). This suggests that this residue is clinically significant, and that variants that disrupt this residue are likely to be disease-causing. For these reasons, this variant has been classified as Pathogenic.

Natera, Inc.
Classification: Likely pathogenic for Limb-girdle muscular dystrophy type 2B. Last evaluated: 2024-04-26. Review status: criteria provided, single submitter. Criteria: Natera Variant Classification Schema (03/2026). Collection method: clinical testing. Allele origin: germline. Not counted in ClinVar's aggregate classification.
Comment: The c.3113G>C variant in DYSF is a missense variant predicted to cause substitution of arginine to proline at amino acid 1038. This variant is rare in the general population with a frequency below the threshold expected for the associated phenotype(s). This variant has been observed in one or more individuals affected with the associated recessive disease, as either homozygous or compound heterozygous with a second variant (PMID: 27602406). A different variant at the same position has been determined to be Pathogenic or Likely Pathogenic. Computational prediction algorithms indicate this variant is likely to affect gene or protein function. Given the available evidence, this variant is classified as Likely Pathogenic.

Literature cited by the submitters: PubMed 33610434 (cited by Labcorp Genetics (formerly Invitae), Labcorp); PubMed 14678801 (cited by Labcorp Genetics (formerly Invitae), Labcorp); PubMed 18832576 (cited by Labcorp Genetics (formerly Invitae), Labcorp); PubMed 18853459 (cited by Labcorp Genetics (formerly Invitae), Labcorp); PubMed 25591676 (cited by Labcorp Genetics (formerly Invitae), Labcorp); PubMed 27821570 (cited by Labcorp Genetics (formerly Invitae), Labcorp); PubMed 27602406 (cited by Natera, Inc.).

NM_001130987.2(DYSF):c.3167G>C (p.Arg1056Pro)

Gene: DYSF (dysferlin; plus strand). Cytogenetic location: 2p13.2.
Variant type: single nucleotide variant.
Coding change: c.3167G>C on transcript NM_001130987.2 (MANE Select); coding-DNA position 3167, G replaced by C.
Protein change: p.Arg1056Pro; replaces arginine 1056 with proline.
Molecular consequence: missense variant.
Genome position (GRCh38, 1-based): chr2:71,570,680, G>C. VCF-style: chr2-71570680-G-C. GRCh37 (hg19) VCF-style: chr2-71797810-G-C.
Other names: NM_001130987.2(DYSF):c.3167G>C; p.Arg1056Pro; c.3113G>C (NM_003494.3); c.3116G>C, p.Arg1039Pro (NM_001130455.2, NM_001130983.2); c.3071G>C, p.Arg1024Pro (NM_001130976.2, NM_001130977.2); c.3113G>C, p.Arg1038Pro (NM_001130978.2, NM_003494.4); c.3206G>C, p.Arg1069Pro (NM_001130979.2); c.3164G>C, p.Arg1055Pro (NM_001130980.2, NM_001130981.2); and 3 more; short protein forms R1024P, R1056P, R1070P, R1055P, R1069P, R1025P, R1038P, R1039P.
Identifiers: ClinVar variation 2912979 (VCV002912979.5), dbSNP rs150877497, ClinGen allele CA347217058.